The following is an entry in ClinVar:

NM_000492.4(CFTR):c.4028G>C (p.Gly1343Ala)

Gene: CFTR (CF transmembrane conductance regulator; plus strand). Cytogenetic location: 7q31.2.
Variant type: single nucleotide variant.
Coding change: c.4028G>C on transcript NM_000492.4 (MANE Select); coding-DNA position 4028, G replaced by C.
Protein change: p.Gly1343Ala; replaces glycine 1343 with alanine.
Molecular consequence: missense variant.
Genome position (GRCh38, 1-based): chr7:117,664,752, G>C. VCF-style: chr7-117664752-G-C. GRCh37 (hg19) VCF-style: chr7-117304806-G-C.
Other names: short protein forms G1343A.
Identifiers: ClinVar variation 1716993 (VCV001716993.5), dbSNP rs773458471, ClinGen allele CA4451612.

ClinVar aggregate classification (germline): Uncertain significance (1 of 4 stars; one submission).

Conditions:
Cystic fibrosis (CF). Also called: MUCOVISCIDOSIS. Identifiers: Orphanet 586, MedGen C0010674, MONDO:0009061, OMIM 219700. Disease mechanism: loss of function.

gnomAD v4.1: 1 of 1,613,950 alleles (0.000062%); highest among the groups gnomAD compares: Non-Finnish European, 0.000085%; no homozygotes.

Submission:

Labcorp Genetics (formerly Invitae), Labcorp
Classification: Uncertain significance for Cystic fibrosis. Last evaluated: 2022-08-19. Review status: criteria provided, single submitter. Criteria: Invitae Variant Classification Sherloc (09022015). Collection method: clinical testing. Allele origin: germline.
Comment: This sequence change replaces glycine, which is neutral and non-polar, with alanine, which is neutral and non-polar, at codon 1343 of the CFTR protein (p.Gly1343Ala). This variant is present in population databases (rs773458471, gnomAD 0.0009%). This variant has not been reported in the literature in individuals affected with CFTR-related conditions. Algorithms developed to predict the effect of missense changes on protein structure and function (SIFT, PolyPhen-2, Align-GVGD) all suggest that this variant is likely to be disruptive. In summary, the available evidence is currently insufficient to determine the role of this variant in disease. Therefore, it has been classified as a Variant of Uncertain Significance.